The following is an entry in ClinVar:

NM_014141.6(CNTNAP2):c.385C>G (p.Gln129Glu)

Gene: CNTNAP2 (contactin associated protein 2; plus strand). Cytogenetic location: 7q35.
Variant type: single nucleotide variant.
Coding change: c.385C>G on transcript NM_014141.6 (MANE Select); coding-DNA position 385, C replaced by G.
Protein change: p.Gln129Glu; replaces glutamine 129 with glutamic acid.
Molecular consequence: missense variant.
Genome position (GRCh38, 1-based): chr7:146,839,887, C>G. VCF-style: chr7-146839887-C-G. GRCh37 (hg19) VCF-style: chr7-146536979-C-G.
Other names: short protein forms Q129E.
Identifiers: ClinVar variation 946073 (VCV000946073.10), dbSNP rs1803686624, ClinGen allele CA369922852.

ClinVar aggregate classification (germline): Uncertain significance (1 of 4 stars; one submission).

Conditions:
Cortical dysplasia-focal epilepsy syndrome (PTHSL1). Also called: Pitt-Hopkins-like syndrome 1. Identifiers: Orphanet 163681, Orphanet 221150, MedGen C2750246, MONDO:0012400, OMIM 610042.

Submission:

Labcorp Genetics (formerly Invitae), Labcorp
Classification: Uncertain significance for Cortical dysplasia-focal epilepsy syndrome. Last evaluated: 2022-11-15. Review status: criteria provided, single submitter. Criteria: Invitae Variant Classification Sherloc (09022015). Collection method: clinical testing. Allele origin: germline.
Comment: In summary, the available evidence is currently insufficient to determine the role of this variant in disease. Therefore, it has been classified as a Variant of Uncertain Significance. Algorithms developed to predict the effect of missense changes on protein structure and function are either unavailable or do not agree on the potential impact of this missense change (SIFT: "Deleterious"; PolyPhen-2: "Possibly Damaging"; Align-GVGD: "Class C0"). ClinVar contains an entry for this variant (Variation ID: 946073). This variant has not been reported in the literature in individuals affected with CNTNAP2-related conditions. This variant is not present in population databases (gnomAD no frequency). This sequence change replaces glutamine, which is neutral and polar, with glutamic acid, which is acidic and polar, at codon 129 of the CNTNAP2 protein (p.Gln129Glu).